The following is an entry in ClinVar:

ClinVar aggregate classification (germline): Uncertain significance (1 of 4 stars; one submission).

Conditions:
Early-infantile DEE. Also called: Ohtahara syndrome; Early infantile epileptic encephalopathy with suppression bursts; Early infantile epileptic encephalopathy. Identifiers: Orphanet 1934, MedGen C0393706, MONDO:0800491.

Allele frequency attached by ClinVar (database versions not stated): gnomAD exomes below 0.00001.
gnomAD v4.1: 3 of 1,613,998 alleles (0.00019%); highest among the groups gnomAD compares: Non-Finnish European, 0.00017%; no homozygotes.

Submission:

Labcorp Genetics (formerly Invitae), Labcorp
Classification: Uncertain significance for Early-infantile DEE. Last evaluated: 2024-12-16. Review status: criteria provided, single submitter. Criteria: Invitae Variant Classification Sherloc (09022015). Collection method: clinical testing. Allele origin: germline.
Comment: This sequence change replaces valine, which is neutral and non-polar, with glycine, which is neutral and non-polar, at codon 1008 of the SCN8A protein (p.Val1008Gly). This variant is not present in population databases (gnomAD no frequency). This variant has not been reported in the literature in individuals affected with SCN8A-related conditions. ClinVar contains an entry for this variant (Variation ID: 2161044). Invitae Evidence Modeling of protein sequence and biophysical properties (such as structural, functional, and spatial information, amino acid conservation, physicochemical variation, residue mobility, and thermodynamic stability) indicates that this missense variant is not expected to disrupt SCN8A protein function with a negative predictive value of 95%. In summary, the available evidence is currently insufficient to determine the role of this variant in disease. Therefore, it has been classified as a Variant of Uncertain Significance.

NM_001330260.2(SCN8A):c.3023T>G (p.Val1008Gly)

Gene: SCN8A (sodium voltage-gated channel alpha subunit 8; plus strand). Cytogenetic location: 12q13.13.
Variant type: single nucleotide variant.
Coding change: c.3023T>G on transcript NM_001330260.2 (MANE Select); coding-DNA position 3023, T replaced by G.
Protein change: p.Val1008Gly; replaces valine 1008 with glycine.
Molecular consequence: missense variant.
Genome position (GRCh38, 1-based): chr12:51,768,986, T>G. VCF-style: chr12-51768986-T-G. GRCh37 (hg19) VCF-style: chr12-52162770-T-G.
Other names: c.3023T>G, p.Val1008Gly (NM_001177984.3, NM_001369788.1, NM_014191.4); short protein forms V1008G.
Identifiers: ClinVar variation 2161044 (VCV002161044.4), dbSNP rs2540265912, ClinGen allele CA384892131.
Genomic context (GRCh38, chr12:51,768,986, plus strand): 5'-CAGATGACGATGGGGAAATGAACAACCTCCAGATCTCAGTGATCCGTATCAAGAAGGGTG[T>G]GGCCTGGACCAAACTAAAGGTGCACGCCTTCATGCAGGCCCACTTTAAGCAGCGTGAGGC-3'
Protein context (NP_001317189.1, residues 998-1018): QISVIRIKKG[Val1008Gly]AWTKLKVHAF